The following is an entry in ClinVar:

NM_000916.4(OXTR):c.456C>G (p.Thr152=)

Gene: OXTR (oxytocin receptor; minus strand). Cytogenetic location: 3p25.3.
Variant type: single nucleotide variant.
Coding change: c.456C>G on transcript NM_000916.4 (MANE Select); coding-DNA position 456, C replaced by G.
Protein change: p.Thr152=; no amino-acid change (threonine 152 retained).
Molecular consequence: synonymous variant.
Genome position (GRCh38, 1-based): chr3:8,767,732, G>C on the plus strand (C>G on the coding strand, the complement: OXTR is on the minus strand). VCF-style: chr3-8767732-G-C. GRCh37 (hg19) VCF-style: chr3-8809418-G-C.
Other names: c.456C>G, p.Thr152= (NM_001354653.2, NM_001354654.2, NM_001354655.2 and 1 more transcripts).
Identifiers: ClinVar variation 5039443 (VCV005039443.1).

ClinVar aggregate classification (germline): Likely benign (1 of 4 stars; one submission).

gnomAD v4.1: 644 of 1,609,508 alleles (0.04%); highest among the groups gnomAD compares: Non-Finnish European, 0.05%; 1 homozygote.

Submission:

CeGaT Center for Human Genetics Tuebingen
Classification: Likely benign. Last evaluated: 2026-07-01. Review status: criteria provided, single submitter. Criteria: CeGaT Center For Human Genetics Tuebingen Variant Classification Criteria Version 2. Collection method: clinical testing. Allele origin: germline. Affected: yes. Observed: 1 variant allele.
Comment: OXTR: BP4, BP7